The following is an entry in ClinVar:

NM_015443.4(KANSL1):c.986del (p.Thr328_Leu329insTer)

Gene: KANSL1 (KAT8 regulatory NSL complex subunit 1). Cytogenetic location: 17q21.31.
Variant type: Deletion.
Coding change: c.986del on transcript NM_015443.4 (MANE Select); coding-DNA position 986, one base deleted.
Protein change: p.Thr328_Leu329insTer.
Molecular consequence: nonsense. On other transcripts: intron variant (4).
Genome position: GRCh38 VCF-style: chr17-46171157-CA-C. GRCh37 (hg19) VCF-style: chr17-44248523-CA-C.
Other names: c.986del, p.Thr328_Leu329insTer (NM_001193465.2, NM_001193466.2, NM_001379198.1 and 18 more transcripts); c.23+52513del (NM_001405885.1, NM_001405884.1, NM_001405883.1 and 1 more transcripts).
Identifiers: ClinVar variation 3362316 (VCV003362316.3).

ClinVar aggregate classification (germline): Likely pathogenic (1 of 4 stars; one submission).

Conditions:
Koolen-de Vries syndrome (KDVS). Identifiers: Orphanet 96169, MedGen C1864871, MONDO:0012496, OMIM 610443.

Submission:

Neuberg Centre For Genomic Medicine, NCGM
Classification: Likely pathogenic for Koolen-de Vries syndrome. Last evaluated: 2023-06-02. Review status: criteria provided, single submitter. Criteria: ACMG Guidelines, 2015. Collection method: clinical testing. Allele origin: germline. Inheritance: Autosomal dominant inheritance. Affected: yes.
Comment: The frameshift variant c.986del (p.Leu329Ter) in the KANSL1 gene has not been reported previously as a pathogenic variant nor as a benign variant, to our knowledge. The variant is absent in the gnomAD Exomes. This variant is predicted to cause loss of normal protein function through protein truncation. Loss of function variants have been previously reported to be disease causing (Zollino et al., 2012). For these reasons, this variant has been classified as Likely Pathogenic.